The following is an entry in ClinVar:

ClinVar aggregate classification (germline): Uncertain significance. Review status: criteria provided, multiple submitters, no conflicts (2 of 4 stars). 2 submissions from 2 submitters: Uncertain significance (2). Last evaluated 2023-12-09.

Conditions:
Mendelian susceptibility to mycobacterial diseases due to complete IL12RB1 deficiency. Also called: Immunodeficiency 30; IL12RB1 DEFICIENCY. Identifiers: Orphanet 319552, MedGen C4013949, MONDO:0013955, OMIM 614891.
Inborn genetic diseases. Identifiers: MedGen C0950123, MeSH D030342.

Allele frequency attached by ClinVar (database versions not stated): gnomAD exomes 0.00001 and 0.00002; gnomAD 0.00003 and 0.00004; TOPMed 0.00002; ExAC 0.00002.

Submissions (2):

Ambry Genetics
Classification: Uncertain significance for Inborn genetic diseases. Last evaluated: 2023-12-09. Review status: criteria provided, single submitter. Criteria: Ambry Variant Classification Scheme 2023. Collection method: clinical testing. Allele origin: germline.

Labcorp Genetics (formerly Invitae), Labcorp
Classification: Uncertain significance for Mendelian susceptibility to mycobacterial diseases due to complete IL12RB1 deficiency. Last evaluated: 2022-10-17. Review status: criteria provided, single submitter. Criteria: Invitae Variant Classification Sherloc (09022015). Collection method: clinical testing. Allele origin: germline.
Comment: This sequence change replaces alanine, which is neutral and non-polar, with valine, which is neutral and non-polar, at codon 422 of the IL12RB1 protein (p.Ala422Val). This variant is present in population databases (rs767846981, gnomAD 0.006%). This variant has not been reported in the literature in individuals affected with IL12RB1-related conditions. ClinVar contains an entry for this variant (Variation ID: 653863). Advanced modeling of protein sequence and biophysical properties (such as structural, functional, and spatial information, amino acid conservation, physicochemical variation, residue mobility, and thermodynamic stability) performed at Invitae indicates that this missense variant is not expected to disrupt IL12RB1 protein function. In summary, the available evidence is currently insufficient to determine the role of this variant in disease. Therefore, it has been classified as a Variant of Uncertain Significance.

NM_005535.3(IL12RB1):c.1265C>T (p.Ala422Val)

Gene: IL12RB1 (interleukin 12 receptor subunit beta 1; minus strand). Cytogenetic location: 19p13.11.
Variant type: single nucleotide variant.
Coding change: c.1265C>T on transcript NM_005535.3 (MANE Select); coding-DNA position 1265, C replaced by T.
Protein change: p.Ala422Val; replaces alanine 422 with valine.
Molecular consequence: missense variant.
Genome position (GRCh38, 1-based): chr19:18,068,451, G>A on the plus strand (C>T on the coding strand, the complement: IL12RB1 is on the minus strand). VCF-style: chr19-18068451-G-A. GRCh37 (hg19) VCF-style: chr19-18179261-G-A.
Other names: c.1265C>T, p.Ala422Val (NM_001290023.2); c.1385C>T, p.Ala462Val (NM_001290024.2); short protein forms A462V, A422V.
Identifiers: ClinVar variation 653863 (VCV000653863.4), dbSNP rs767846981, ClinGen allele CA9304905.
Genomic context (GRCh38, chr19:18,068,451, plus strand): 5'-TTGCCCCCAAAGTGGTAGGTGGACAGGACCGTAGACCACAAGGTGAGCTTCTCGGGGTGC[G>A]CAGAGGCAAAGATGGTAATGTAGTAACACTTTTCCTGCCCCATTGCCCCAGACTCTCGAC-3'
Protein context (NP_005526.1, residues 412-432): KCYYITIFAS[Ala422Val]HPEKLTLWST